The following is an entry in ClinVar:

NM_144585.4(SLC22A12):c.845C>T (p.Ser282Leu)

Gene: SLC22A12 (solute carrier family 22 member 12; plus strand). Cytogenetic location: 11q13.1.
Variant type: single nucleotide variant.
Coding change: c.845C>T on transcript NM_144585.4 (MANE Select); coding-DNA position 845, C replaced by T.
Protein change: p.Ser282Leu; replaces serine 282 with leucine.
Molecular consequence: missense variant.
Genome position (GRCh38, 1-based): chr11:64,598,530, C>T. VCF-style: chr11-64598530-C-T. GRCh37 (hg19) VCF-style: chr11-64366002-C-T.
Other names: c.743C>T, p.Ser248Leu (NM_001276326.2); c.521C>T, p.Ser174Leu (NM_001276327.2); c.182C>T, p.Ser61Leu (NM_153378.3); short protein forms S61L, S248L, S282L, S174L.
Identifiers: ClinVar variation 1900424 (VCV001900424.3), dbSNP rs758620566, ClinGen allele CA6077213.
Genomic context (GRCh38, chr11:64,598,530, plus strand): 5'-CTGGGGGCCACAGGCAATGACCCCTCCCACGCCCCCTCCACTTAAGGTGGCTGGCAGAGT[C>T]GGCACGATGGCTCCTCACCACAGGCAGGCTGGATTGGGGCCTGCAGGAGCTGTGGAGGGT-3'
Protein context (NP_653186.2, residues 272-292): CFLYSWWLAE[Ser282Leu]ARWLLTTGRL

ClinVar aggregate classification (germline): Uncertain significance. Review status: criteria provided, multiple submitters, no conflicts (2 of 4 stars). 2 submissions from 2 submitters: Uncertain significance (2). Last evaluated 2024-04-10.

Conditions:
Dalmatian hypouricemia (RHUC1). Identifiers: MedGen C0473219, MONDO:0020728, OMIM 220150.

Allele frequency attached by ClinVar (database versions not stated): gnomAD exomes 0.00002; ExAC 0.00003; gnomAD 0.00005; TOPMed 0.00005.
gnomAD v4.1: 35 of 1,585,948 alleles (0.0022%); highest among the groups gnomAD compares: Admixed American, 0.009%; no homozygotes.

Submissions (2):

Fulgent Genetics
Classification: Uncertain significance for Dalmatian hypouricemia. Last evaluated: 2024-04-10. Review status: criteria provided, single submitter. Criteria: ACMG Guidelines, 2015. Collection method: clinical testing. Allele origin: germline.

Labcorp Genetics (formerly Invitae), Labcorp
Classification: Uncertain significance. Last evaluated: 2022-08-13. Review status: criteria provided, single submitter. Criteria: Invitae Variant Classification Sherloc (09022015). Collection method: clinical testing. Allele origin: germline.
Comment: This sequence change replaces serine, which is neutral and polar, with leucine, which is neutral and non-polar, at codon 282 of the SLC22A12 protein (p.Ser282Leu). This variant is present in population databases (rs758620566, gnomAD 0.007%). This variant has not been reported in the literature in individuals affected with SLC22A12-related conditions. Algorithms developed to predict the effect of missense changes on protein structure and function are either unavailable or do not agree on the potential impact of this missense change (SIFT: "Deleterious"; PolyPhen-2: "Possibly Damaging"; Align-GVGD: "Class C0"). In summary, the available evidence is currently insufficient to determine the role of this variant in disease. Therefore, it has been classified as a Variant of Uncertain Significance.